The following is an entry in ClinVar:

NM_005733.3(KIF20A):c.1598C>T (p.Pro533Leu)

Gene: KIF20A (kinesin family member 20A; plus strand). Cytogenetic location: 5q31.2.
Variant type: single nucleotide variant.
Coding change: c.1598C>T on transcript NM_005733.3 (MANE Select); coding-DNA position 1598, C replaced by T.
Protein change: p.Pro533Leu; replaces proline 533 with leucine.
Molecular consequence: missense variant.
Genome position (GRCh38, 1-based): chr5:138,184,591, C>T. VCF-style: chr5-138184591-C-T. GRCh37 (hg19) VCF-style: chr5-137520280-C-T.
Other names: c.1598C>T (NM_005733.2); short protein forms P533L.
Identifiers: ClinVar variation 1386980 (VCV001386980.9), dbSNP rs369856608, ClinGen allele CA3426654.

ClinVar aggregate classification (germline): Uncertain significance. Review status: criteria provided, multiple submitters, no conflicts (2 of 4 stars). 2 submissions from 2 submitters: Uncertain significance (2). Last evaluated 2026-01-26.

Allele frequency attached by ClinVar (database versions not stated): gnomAD exomes 0.00001 and 0.00002; ExAC 0.00003; TOPMed 0.00008; gnomAD 0.00010; ESP Exome Variant Server 0.00015; 1000 Genomes Project 30x 0.00016; 1000 Genomes Project 0.00020.

Submissions (2):

Labcorp Genetics (formerly Invitae), Labcorp
Classification: Uncertain significance. Last evaluated: 2026-01-26. Review status: criteria provided, single submitter. Criteria: Invitae Variant Classification Sherloc (09022015). Collection method: clinical testing. Allele origin: germline.
Comment: This sequence change replaces proline, which is neutral and non-polar, with leucine, which is neutral and non-polar, at codon 533 of the KIF20A protein (p.Pro533Leu). This variant is present in population databases (rs369856608, gnomAD 0.04%). This variant has not been reported in the literature in individuals affected with KIF20A-related conditions. ClinVar contains an entry for this variant (Variation ID: 1386980). An algorithm developed to predict the effect of missense changes on protein structure and function (PolyPhen-2) suggests that this variant is likely to be tolerated. In summary, the available evidence is currently insufficient to determine the role of this variant in disease. Therefore, it has been classified as a Variant of Uncertain Significance.

Ambry Genetics
Classification: Uncertain significance. Last evaluated: 2023-07-30. Review status: criteria provided, single submitter. Criteria: Ambry Variant Classification Scheme 2023. Collection method: clinical testing. Allele origin: germline.